The following is an entry in ClinVar:

NM_001204375.2(NPR3):c.218G>A (p.Arg73Gln)

Genes: NPR3 (natriuretic peptide receptor 3; plus strand), LOC123493284 (Sharpr-MPRA regulatory region 158; plus strand). Cytogenetic location: 5p13.3.
Variant type: single nucleotide variant.
Coding change: c.218G>A on transcript NM_001204375.2 (MANE Select); coding-DNA position 218, G replaced by A.
Protein change: p.Arg73Gln; replaces arginine 73 with glutamine.
Molecular consequence: missense variant. On other transcripts: intron variant (4).
Genome position (GRCh38, 1-based): chr5:32,711,994, G>A. VCF-style: chr5-32711994-G-A. GRCh37 (hg19) VCF-style: chr5-32712100-G-A.
Other names: c.218G>A, p.Arg73Gln (NM_000908.4); c.50-12704G>A (NM_001364458.2); c.121+1211G>A (NM_001363652.2, NM_001204376.2, NM_001364460.2); short protein forms R73Q.
Identifiers: ClinVar variation 1435491 (VCV001435491.8), dbSNP rs1325596990, ClinGen allele CA359466428.

ClinVar aggregate classification (germline): Uncertain significance (1 of 4 stars; one submission).

Allele frequency attached by ClinVar (database versions not stated): gnomAD exomes below 0.00001.

Submission:

Labcorp Genetics (formerly Invitae), Labcorp
Classification: Uncertain significance. Last evaluated: 2021-05-03. Review status: criteria provided, single submitter. Criteria: Invitae Variant Classification Sherloc (09022015). Collection method: clinical testing. Allele origin: germline.
Comment: Algorithms developed to predict the effect of missense changes on protein structure and function (SIFT, PolyPhen-2, Align-GVGD) all suggest that this variant is likely to be tolerated, but these predictions have not been confirmed by published functional studies and their clinical significance is uncertain. This variant has not been reported in the literature in individuals with NPR3-related conditions. This variant is not present in population databases (ExAC no frequency). This sequence change replaces arginine with glutamine at codon 73 of the NPR3 protein (p.Arg73Gln). The arginine residue is highly conserved and there is a small physicochemical difference between arginine and glutamine. In summary, the available evidence is currently insufficient to determine the role of this variant in disease. Therefore, it has been classified as a Variant of Uncertain Significance. Algorithms developed to predict the effect of sequence changes on RNA splicing suggest that this variant may create or strengthen a splice site, but this prediction has not been confirmed by published transcriptional studies.